The following is an entry in ClinVar:

ClinVar aggregate classification (germline): Uncertain significance (1 of 4 stars; one submission).

Submission:

Ambry Genetics
Classification: Uncertain significance. Last evaluated: 2026-01-14. Review status: criteria provided, single submitter. Criteria: Ambry Variant Classification Scheme 2023. Collection method: clinical testing. Allele origin: germline.
Comment: The c.1934G>A (p.G645E) alteration is located in exon 4 (coding exon 4) of the ZNF99 gene. This alteration results from a G to A substitution at nucleotide position 1934, causing the glycine (G) at amino acid position 645 to be replaced by a glutamic acid (E). Based on data from gnomAD, the A allele has an overall frequency of <0.001% (1/248112) total alleles studied. The highest observed frequency was <0.001% (/) of alleles. Based on insufficient or conflicting evidence, the clinical significance of this alteration remains unclear.

NM_001080409.3(ZNF99):c.1934G>A (p.Gly645Glu)

Gene: ZNF99 (zinc finger protein 99; minus strand). Cytogenetic location: 19p12.
Variant type: single nucleotide variant.
Coding change: c.1934G>A on transcript NM_001080409.3 (MANE Select); coding-DNA position 1934, G replaced by A.
Protein change: p.Gly645Glu; replaces glycine 645 with glutamic acid.
Molecular consequence: missense variant.
Genome position (GRCh38, 1-based): chr19:22,757,975, C>T on the plus strand (G>A on the coding strand, the complement: ZNF99 is on the minus strand). VCF-style: chr19-22757975-C-T. GRCh37 (hg19) VCF-style: chr19-22940777-C-T.
Other names: short protein forms G645E.
Identifiers: ClinVar variation 4839404 (VCV004839404.1).